The following is an entry in ClinVar:

NC_000002.11:g.(?_242707105)_(242707384_?)del

Gene: D2HGDH (D-2-hydroxyglutarate dehydrogenase; plus strand). Cytogenetic location: 2q37.3.
Variant type: Deletion.
Identifiers: ClinVar variation 2427418 (VCV002427418.4).

ClinVar aggregate classification (germline): Uncertain significance (1 of 4 stars; one submission).

Conditions:
D-2-hydroxyglutaric aciduria 1 (D2HGA1). Identifiers: Orphanet 79315, MedGen C3152055, MONDO:0024554, OMIM 600721.

Submission:

Labcorp Genetics (formerly Invitae), Labcorp
Classification: Uncertain significance for D-2-hydroxyglutaric aciduria 1. Last evaluated: 2022-09-19. Review status: criteria provided, single submitter. Criteria: Invitae Variant Classification Sherloc (09022015). Collection method: clinical testing. Allele origin: germline.
Comment: In summary, the available evidence is currently insufficient to determine the role of this variant in disease. Therefore, it has been classified as a Variant of Uncertain Significance. Experimental studies and prediction algorithms are not available or were not evaluated, and the functional significance of this variant is currently unknown. A similar copy number variant has been observed in individual(s) with clinical features of D-2-hydroxyglutaric aciduria (PMID: 30908763). This variant is a gross deletion of the genomic region encompassing exon(s) 10 of the D2HGDH gene, which includes the termination codon. This deletion extends beyond the assayed region for this gene and therefore may encompass additional genes. While this deletion is not anticipated to lead to nonsense mediated decay, it is expected to alter mRNA translation or result in a truncated protein product.

Literature cited by the submitters: PubMed 30908763.